The following is an entry in ClinVar:

NM_024675.4(PALB2):c.1268T>C (p.Val423Ala)

Gene: PALB2 (partner and localizer of BRCA2; minus strand). Cytogenetic location: 16p12.2.
Variant type: single nucleotide variant.
Coding change: c.1268T>C on transcript NM_024675.4 (MANE Select); coding-DNA position 1268, T replaced by C.
Protein change: p.Val423Ala; replaces valine 423 with alanine.
Molecular consequence: missense variant. On other transcripts: intron variant (3).
Genome position (GRCh38, 1-based): chr16:23,635,278, A>G on the plus strand (T>C on the coding strand, the complement: PALB2 is on the minus strand). VCF-style: chr16-23635278-A-G. GRCh37 (hg19) VCF-style: chr16-23646599-A-G.
Other names: c.1208T>C, p.Val403Ala (NM_001407296.1); c.1268T>C, p.Val423Ala (NM_001407297.1, NM_001407298.1, NM_001407299.1 and 3 more transcripts); c.383T>C, p.Val128Ala (NM_001407304.1, NM_001407305.1, NM_001407306.1 and 5 more transcripts); c.48+5832T>C (NM_001407314.1); c.-104-4809T>C (NM_001407313.1, NM_001407312.1); short protein forms V403A, V423A, V128A.
Identifiers: ClinVar variation 2786778 (VCV002786778.5), dbSNP rs2142420977, ClinGen allele CA395132682.

ClinVar aggregate classification (germline): Uncertain significance. Review status: criteria provided, multiple submitters, no conflicts (2 of 4 stars). 3 submissions from 3 submitters: Uncertain significance (3). Last evaluated 2025-03-31.

Conditions:
Hereditary cancer-predisposing syndrome. Also called: Hereditary neoplastic syndrome; Neoplastic Syndromes, Hereditary; Tumor predisposition; Hereditary Cancer Syndrome. Identifiers: Orphanet 140162, MedGen C0027672, MeSH D009386, MONDO:0015356.
Familial cancer of breast. Also called: Hereditary breast cancer; BREAST CANCER, FAMILIAL; hereditary breast carcinoma. Identifiers: Orphanet 227535, MedGen C0346153, MONDO:0016419, OMIM 114480. Disease mechanism: loss of function.

Allele frequency attached by ClinVar (database versions not stated): gnomAD exomes below 0.00001.

Submissions (3):

Color Diagnostics, LLC DBA Color Health
Classification: Uncertain significance for Hereditary cancer-predisposing syndrome. Last evaluated: 2025-03-31. Review status: criteria provided, single submitter. Criteria: ACMG Guidelines, 2015. Collection method: clinical testing. Allele origin: germline.
Comment: This missense variant replaces valine with alanine at codon 423 of the PALB2 protein. Computational prediction suggests that this variant may not impact protein structure and function. To our knowledge, functional studies have not been reported for this variant. This variant has not been reported in individuals affected with PALB2-related disorders in the literature. This variant has not been identified in the general population by the Genome Aggregation Database (gnomAD). The available evidence is insufficient to determine the role of this variant in disease conclusively. Therefore, this variant is classified as a Variant of Uncertain Significance.

Ambry Genetics
Classification: Uncertain significance for Hereditary cancer-predisposing syndrome. Last evaluated: 2024-02-22. Review status: criteria provided, single submitter. Criteria: Ambry Variant Classification Scheme 2023. Collection method: clinical testing. Allele origin: germline.
Comment: The p.V423A variant (also known as c.1268T>C), located in coding exon 4 of the PALB2 gene, results from a T to C substitution at nucleotide position 1268. The valine at codon 423 is replaced by alanine, an amino acid with similar properties. This amino acid position is conserved. In addition, this alteration is predicted to be tolerated by in silico analysis. Based on the available evidence, the clinical significance of this alteration remains unclear.

Labcorp Genetics (formerly Invitae), Labcorp
Classification: Uncertain significance for Familial cancer of breast. Last evaluated: 2022-11-26. Review status: criteria provided, single submitter. Criteria: Invitae Variant Classification Sherloc (09022015). Collection method: clinical testing. Allele origin: germline.
Comment: This sequence change replaces valine, which is neutral and non-polar, with alanine, which is neutral and non-polar, at codon 423 of the PALB2 protein (p.Val423Ala). This variant is not present in population databases (gnomAD no frequency). This variant has not been reported in the literature in individuals affected with PALB2-related conditions. Advanced modeling of protein sequence and biophysical properties (such as structural, functional, and spatial information, amino acid conservation, physicochemical variation, residue mobility, and thermodynamic stability) performed at Invitae indicates that this missense variant is not expected to disrupt PALB2 protein function. In summary, the available evidence is currently insufficient to determine the role of this variant in disease. Therefore, it has been classified as a Variant of Uncertain Significance.